The following is an entry in ClinVar:

ClinVar aggregate classification (germline): Uncertain significance (1 of 4 stars; one submission).

gnomAD v4.1: 1 of 1,613,992 alleles (0.000062%); highest among the groups gnomAD compares: Non-Finnish European, 0.000085%; no homozygotes.

Submission:

Ambry Genetics
Classification: Uncertain significance. Last evaluated: 2026-07-05. Review status: criteria provided, single submitter. Criteria: Ambry Variant Classification Scheme 2023. Collection method: clinical testing. Allele origin: germline.
Comment: The p.A298D variant (also known as c.893C>A), located in coding exon 1 of the TET2 gene, results from a C to A substitution at nucleotide position 893. The alanine at codon 298 is replaced by aspartic acid, an amino acid with dissimilar properties. This amino acid position is conserved. In addition, this alteration is predicted to be tolerated by in silico analysis. Based on the available evidence, the clinical significance of this variant remains unclear.

NM_001127208.3(TET2):c.893C>A (p.Ala298Asp)

Genes: TET2 (tet methylcytosine dioxygenase 2; plus strand), TET2-AS1 (TET2 antisense RNA 1; minus strand). Cytogenetic location: 4q24.
Variant type: single nucleotide variant.
Coding change: c.893C>A on transcript NM_001127208.3 (MANE Select); coding-DNA position 893, C replaced by A.
Protein change: p.Ala298Asp; replaces alanine 298 with aspartic acid.
Molecular consequence: missense variant.
Genome position (GRCh38, 1-based): chr4:105,234,835, C>A. VCF-style: chr4-105234835-C-A. GRCh37 (hg19) VCF-style: chr4-106155992-C-A.
Other names: c.893C>A, p.Ala298Asp (NM_017628.4); short protein forms A298D.
Identifiers: ClinVar variation 5030702 (VCV005030702.1).